The following is an entry in ClinVar:

NM_003128.3(SPTBN1):c.165G>C (p.Val55=)

Gene: SPTBN1 (spectrin beta, non-erythrocytic 1; plus strand). Cytogenetic location: 2p16.2.
Variant type: single nucleotide variant.
Coding change: c.165G>C on transcript NM_003128.3 (MANE Select); coding-DNA position 165, G replaced by C.
Protein change: p.Val55=; no amino-acid change (valine 55 retained).
Molecular consequence: synonymous variant.
Genome position (GRCh38, 1-based): chr2:54,599,108, G>C. VCF-style: chr2-54599108-G-C. GRCh37 (hg19) VCF-style: chr2-54826245-G-C.
Other names: c.126G>C, p.Val42= (NM_178313.3).
Identifiers: ClinVar variation 2650917 (VCV002650917.24), dbSNP rs2549468220, ClinGen allele CA426130677.

ClinVar aggregate classification (germline): Likely benign (1 of 4 stars; one submission).

Submission:

CeGaT Center for Human Genetics Tuebingen
Classification: Likely benign. Last evaluated: 2023-01-01. Review status: criteria provided, single submitter. Criteria: CeGaT Center For Human Genetics Tuebingen Variant Classification Criteria Version 2. Collection method: clinical testing. Allele origin: germline. Affected: yes. Observed: 1 variant allele.
Comment: SPTBN1: PM2:Supporting, BP4, BP7